The following is an entry in ClinVar:

NM_000059.4(BRCA2):c.1257del (p.Cys419fs)

Gene: BRCA2 (BRCA2 DNA repair associated; plus strand). Cytogenetic location: 13q13.1.
Variant type: Deletion.
Coding change: c.1257del on transcript NM_000059.4 (MANE Select); coding-DNA position 1257, one base deleted (T; older notation c.1257delT).
Protein change: p.Cys419fs; shifts the reading frame from cysteine 419.
Molecular consequence: frameshift variant.
Genome position (GRCh38, 1-based): chr13:32,332,735, T deleted. VCF-style (leftmost placement, unchanged base first): chr13-32332734-GT-G. GRCh37 (hg19) VCF-style: chr13-32906871-GT-G.
Other names: 1485delT; c.1257delT (NM_000059.3).
Identifiers: ClinVar variation 37733 (VCV000037733.69), dbSNP rs80359272, ClinGen allele CA011341.

ClinVar aggregate classification (germline): Pathogenic. Review status: reviewed by expert panel (3 of 4 stars). 15 submissions from 15 submitters: Pathogenic (1). 14 of the submissions do not count toward it. Last evaluated 2016-09-08.

Conditions:
Hereditary cancer-predisposing syndrome. Also called: Tumor predisposition; Neoplastic Syndromes, Hereditary; Hereditary neoplastic syndrome; Hereditary Cancer Syndrome. Identifiers: Orphanet 140162, MedGen C0027672, MeSH D009386, MONDO:0015356.
Hereditary breast ovarian cancer syndrome. Also called: Hereditary breast and ovarian cancer; Hereditary breast and ovarian cancer syndrome (HBOC); Hereditary breast and/or ovarian cancer syndrome; Breast and ovarian cancer; Hereditary breast and ovarian cancer syndrome; BRCA1- and BRCA2-Associated Hereditary Breast and Ovarian Cancer. Identifiers: Orphanet 145, MedGen C0677776, MeSH D061325, MONDO:0003582. Disease mechanism: loss of function.
Breast-ovarian cancer, familial, susceptibility to, 2 (BROVCA2). Also called: BRCA2 Hereditary Breast and Ovarian Cancer. Identifiers: Orphanet 145, MedGen C2675520, MONDO:0012933, OMIM 612555. Disease mechanism: loss of function.
Familial cancer of breast. Also called: Hereditary breast cancer; BREAST CANCER, FAMILIAL; hereditary breast carcinoma. Identifiers: Orphanet 227535, MedGen C0346153, MONDO:0016419, OMIM 114480. Disease mechanism: loss of function.
Malignant tumor of breast. Also called: Malignant breast neoplasm; Cancer breast. Identifiers: MedGen C0006142, MONDO:0007254. Disease mechanism: loss of function.

Allele frequency attached by ClinVar (database versions not stated): gnomAD exomes below 0.00001.

Submissions 1 to 11 of 15:

Evidence-based Network for the Interpretation of Germline Mutant Alleles (ENIGMA)
Classification: Pathogenic for Breast-ovarian cancer, familial, susceptibility to, 2. Last evaluated: 2016-09-08. Review status: reviewed by expert panel. Criteria: ENIGMA BRCA1/2 Classification Criteria (2015). Collection method: curation. Allele origin: germline.
Comment: Variant allele predicted to encode a truncated non-functional protein.

Labcorp Genetics (formerly Invitae), Labcorp
Classification: Pathogenic for Hereditary breast ovarian cancer syndrome. Last evaluated: 2024-11-22. Review status: criteria provided, single submitter. Criteria: Invitae Variant Classification Sherloc (09022015). Collection method: clinical testing. Allele origin: germline. Not counted in ClinVar's aggregate classification.
Comment: This sequence change creates a premature translational stop signal (p.Cys419Trpfs*11) in the BRCA2 gene. It is expected to result in an absent or disrupted protein product. Loss-of-function variants in BRCA2 are known to be pathogenic (PMID: 20104584). This variant is not present in population databases (gnomAD no frequency). This premature translational stop signal has been observed in individual(s) with breast and/or ovarian cancer (PMID: 15131399, 22762150, 25682074). This variant is also known as 1485delT. ClinVar contains an entry for this variant (Variation ID: 37733). For these reasons, this variant has been classified as Pathogenic.

Quest Diagnostics Nichols Institute San Juan Capistrano
Classification: Pathogenic. Last evaluated: 2024-11-06. Review status: criteria provided, single submitter. Criteria: Quest Diagnostics criteria. Collection method: clinical testing. Allele origin: unknown. Not counted in ClinVar's aggregate classification.
Comment: The BRCA2 c.1257del (p.Cys419Trpfs*11) variant alters the translational reading frame of the BRCA2 mRNA and causes the premature termination of BRCA2 protein synthesis. This variant has been reported in the published literature in individuals with breast and/or ovarian cancer (PMIDs: 25682074 (2015), 31263054 (2019), 32438681 (2020), 32885271 (2021), and 34657373 (2022)). This variant has not been reported in large, multi-ethnic general populations (Genome Aggregation Database). Based on the available information, this variant is classified as pathogenic.

Ambry Genetics
Classification: Pathogenic for Hereditary cancer-predisposing syndrome. Last evaluated: 2024-08-05. Review status: criteria provided, single submitter. Criteria: Ambry Variant Classification Scheme 2023. Collection method: clinical testing. Allele origin: germline. Not counted in ClinVar's aggregate classification.
Comment: The c.1257delT pathogenic mutation, located in coding exon 9 of the BRCA2 gene, results from a deletion of one nucleotide at nucleotide position 1257, causing a translational frameshift with a predicted alternate stop codon (p.C419Wfs*11). This mutation (also designated as 1485delT) has been identified in multiple high-risk breast/ovarian cancer families (Lubinski J et al. Fam Cancer, 2004;3:1-10; Wong-Brown MW et al. Breast Cancer Res Treat, 2015 Feb;150:71-80; Santonocito C et al. Cancers (Basel), 2020 May;12:). This variant is considered to be rare based on population cohorts in the Genome Aggregation Database (gnomAD). In addition to the clinical data presented in the literature, this alteration is expected to result in loss of function by premature protein truncation or nonsense-mediated mRNA decay. As such, this alteration is interpreted as a disease-causing mutation.

Baylor Genetics
Classification: Pathogenic for Familial cancer of breast. Last evaluated: 2023-05-28. Review status: criteria provided, single submitter. Criteria: ACMG Guidelines, 2015. Collection method: clinical testing. Allele origin: unknown. Not counted in ClinVar's aggregate classification.

Women's Health and Genetics/Laboratory Corporation of America, LabCorp
Classification: Pathogenic for Hereditary breast ovarian cancer syndrome. Last evaluated: 2022-03-27. Review status: criteria provided, single submitter. Criteria: LabCorp Variant Classification Summary - May 2015. Collection method: clinical testing. Allele origin: germline. Not counted in ClinVar's aggregate classification.
Comment: Variant summary: BRCA2 c.1257delT (p.Cys419TrpfsX11) results in a premature termination codon, predicted to cause a truncation of the encoded protein or absence of the protein due to nonsense mediated decay, which are commonly known mechanisms for disease. Truncations downstream of this position have been classified as pathogenic by our laboratory. The variant was absent in 248052 control chromosomes. c.1257delT has been reported in the literature in multiple individuals affected with Hereditary Breast And Ovarian Cancer Syndrome (example, Rebbeck_2018). These data indicate that the variant is very likely to be associated with disease. Multiple clinical diagnostic laboratories, an expert panel (ENIGMA) and a consortium (CIMBA) have submitted clinical-significance assessments for this variant to ClinVar after 2014 without evidence for independent evaluation. All submitters classified the variant as pathogenic. Based on the evidence outlined above, the variant was classified as pathogenic.

GeneDx
Classification: Pathogenic. Last evaluated: 2020-07-07. Review status: criteria provided, single submitter. Criteria: GeneDx Variant Classification Process June 2021. Collection method: clinical testing. Allele origin: germline. Affected: yes. Not counted in ClinVar's aggregate classification.
Comment: Frameshift variant predicted to result in protein truncation or nonsense mediated decay in a gene for which loss-of-function is a known mechanism of disease; Truncating variants in this gene are considered pathogenic by a well-established clinical consortium and/or database.; Observed in individuals with BRCA2-related cancers (Wong-Brown 2015, Petridis 2019, Santonocito 2020); Not observed in large population cohorts (Lek 2016); Also known as BRCA2 c.1485delT; This variant is associated with the following publications: (PMID: 25682074, 15131399, 26315209, 22762150, 31263054, 32438681, 31447099)

Color Diagnostics, LLC DBA Color Health
Classification: Pathogenic for Hereditary cancer-predisposing syndrome. Last evaluated: 2020-06-01. Review status: criteria provided, single submitter. Criteria: ACMG Guidelines, 2015. Collection method: clinical testing. Allele origin: germline. Not counted in ClinVar's aggregate classification.
Comment: This variant deletes 1 nucleotide in exon 10 of the BRCA2 gene, creating a frameshift and premature translation stop signal. This variant is expected to result in an absent or non-functional protein product. To our knowledge, functional studies have not been reported for this variant. This variant has been reported in individuals affected with breast and/or ovarian cancer (PMID: 15131399, 22762150, 25682074, 32438681). This variant has not been identified in the general population by the Genome Aggregation Database (gnomAD). Loss of BRCA2 function is a known mechanism of disease. Based on the available evidence, this variant is classified as Pathogenic.

Laboratory for Molecular Medicine, Mass General Brigham Personalized Medicine
Classification: Pathogenic for Hereditary breast ovarian cancer syndrome. Last evaluated: 2019-05-28. Review status: criteria provided, single submitter. Criteria: ACMG Guidelines, 2015. Collection method: clinical testing. Allele origin: germline. Inheritance: Autosomal dominant inheritance. Not counted in ClinVar's aggregate classification.
Comment: The p.Cys419TrpfsX11 variant in BRCA2 has been reported in at least 8 individuals with a personal or family history of breast or ovarian cancer (Lecarpentier 2012, Wong-Brown 2015, Lubinski 2004, BIC database). Additionally, it was classified as Pathogenic on Sep. 8, 2016 by the ClinGen-approved ENIGMA expert panel (Variation ID: 37733). This variant was absent from large population studies. The p.Cys419TrpfsX11 variant is predicted to cause a frameshift, which alters the protein’s amino acid sequence beginning at position 419 and leads to a premature termination codon 11 amino acids downstream. This alteration is then predicted to lead to a truncated or absent protein. Loss of function of the BRCA2 gene is an established disease mechanism in autosomal dominant hereditary breast and ovarian cancer syndrome (HBOC). In summary, this variant meets criteria to be classified as pathogenic for autosomal dominant HBOC. ACMG/AMP Criteria applied: PVS1, PM2, PS4_Moderate.

Consortium of Investigators of Modifiers of BRCA1/2 (CIMBA), c/o University of Cambridge
Classification: Pathogenic for Breast-ovarian cancer, familial, susceptibility to, 2. Last evaluated: 2015-10-02. Review status: criteria provided, single submitter. Criteria: CIMBA Mutation Classification guidelines May 2016. Collection method: clinical testing. Allele origin: germline. Not counted in ClinVar's aggregate classification.

Counsyl
Classification: Pathogenic for Breast-ovarian cancer, familial, susceptibility to, 2. Last evaluated: 2017-07-21. Review status: no assertion criteria provided. Collection method: clinical testing. Allele origin: unknown. Not counted in ClinVar's aggregate classification.